The following is an entry in ClinVar:

ClinVar aggregate classification (germline): Pathogenic/Likely pathogenic. Review status: criteria provided, multiple submitters, no conflicts (2 of 4 stars). 13 submissions from 13 submitters: Pathogenic (6); Likely pathogenic (5). 2 of the submissions do not count toward it. Last evaluated 2025-12-08.

Conditions:
MUTYH-related disorder. Also called: MUTYH-related condition; MUTYH-related disorders.
Hereditary cancer-predisposing syndrome. Also called: Neoplastic Syndromes, Hereditary; Hereditary neoplastic syndrome; Tumor predisposition; Hereditary Cancer Syndrome. Identifiers: Orphanet 140162, MedGen C0027672, MeSH D009386, MONDO:0015356.
Colonic neoplasm. Also called: Colonic Neoplasms; Neoplasm of the colon. Identifiers: MedGen C0009375, MeSH D003110, MONDO:0005401, HP:0100273.
Familial adenomatous polyposis 2. Also called: MUTYH-associated polyposis; MUTYH Polyposis; COLORECTAL ADENOMATOUS POLYPOSIS, AUTOSOMAL RECESSIVE; MYH-associated polyposis; MUTYH-related attenuated familial adenomatous polyposis; Adenomas, multiple colorectal. Identifiers: Orphanet 220460, Orphanet 247798, MedGen C3272841, MONDO:0012041, OMIM 608456.

Submissions (13):

Labcorp Genetics (formerly Invitae), Labcorp
Classification: Pathogenic for Familial adenomatous polyposis 2. Last evaluated: 2025-12-08. Review status: criteria provided, single submitter. Criteria: Invitae Variant Classification Sherloc (09022015). Collection method: clinical testing. Allele origin: germline.
Comment: This sequence change falls in intron 6 of the MUTYH gene. It does not directly change the encoded amino acid sequence of the MUTYH protein. RNA analysis indicates that this variant induces altered splicing and likely results in a shortened protein product. This variant is present in population databases (rs781222233, gnomAD 0.002%). This variant has been observed in individual(s) with MUTYH-associated polyposis (PMID: 16890597, 19732775, 20628285, 21520333). In at least one individual the data is consistent with being in trans (on the opposite chromosome) from a pathogenic variant. It has also been observed to segregate with disease in related individuals. This variant is also known as IVS6+19-31del13. ClinVar contains an entry for this variant (Variation ID: 406825). Studies have shown that this variant results in skipping of exon 6, but is expected to preserve the integrity of the reading-frame (PMID: 20628285; internal data). For these reasons, this variant has been classified as Pathogenic.

Color Diagnostics, LLC DBA Color Health
Classification: Likely pathogenic for Hereditary cancer-predisposing syndrome. Last evaluated: 2025-06-30. Review status: criteria provided, single submitter. Criteria: ACMG Guidelines, 2015. Collection method: clinical testing. Allele origin: germline.
Comment: This variant causes a 13 base pair deletion in intron 6 of the MUTYH gene. An RNA study found this variant resulted in the in-frame skipping of exon 6 (PMID: 20628285). This variant has been reported in compound heterozygous and homozygous carriers with polyposis and/or colorectal cancer (PMID: 16890597, 19732775, 20618354, 20628285, 26446593, 27829682). In particular, this variant was observed in the compound heterozygous state with a pathogenic variant, c.1437_1439del, in an individual affected with polyps and colorectal cancer (PMID: 20628285). The proband's mother, who was heterozygous for this variant, as well as the proband's sister, who was heterozygous for c.1437_1439del variant, were unaffected with polyps and colorectal cancer. This variant was also observed in homozygosity in three siblings in a different family (PMID: 20628285). Their heterozygous mother, father, and one sibling were unaffected with polyps and colorectal cancer (PMID: 20628285). This variant has been identified in 2/251048 chromosomes in the general population by the Genome Aggregation Database (gnomAD). Loss of MUTYH function is a known mechanism of disease. Based on the available evidence, this variant is classified as Likely Pathogenic.

Blueprint Genetics
Classification: Pathogenic for MUTYH-related disorders. Last evaluated: 2024-10-28. Review status: criteria provided, single submitter. Criteria: ACMG Guidelines, 2015. Collection method: clinical testing. Allele origin: germline. Affected: yes. Observed: 5 variant alleles.

Department of Pathology and Laboratory Medicine, Sinai Health System
Classification: Likely pathogenic for Familial adenomatous polyposis 2. Last evaluated: 2024-05-24. Review status: criteria provided, single submitter. Criteria: ACMG Guidelines, 2015. Collection method: clinical testing. Allele origin: germline. Affected: yes.

Ambry Genetics
Classification: Pathogenic for Hereditary cancer-predisposing syndrome. Last evaluated: 2024-02-19. Review status: criteria provided, single submitter. Criteria: Ambry Variant Classification Scheme 2023. Collection method: clinical testing. Allele origin: germline.
Comment: The c.504+19_504+31del13 intronic pathogenic mutation is located 19 nucleotides after coding exon 6 in the MUTYH gene. This variant results from a deletion of 13 nucleotides at positions c.504+19 to c.504+31. This variant has been reported in the homozygous state as well as in conjunction with MUTYH pathogenic mutations in individuals with adenomatous polyposis and co-segregated with disease in three affected siblings of a family (Di Gregorio C et al. Gastroenterology, 2006 Aug;131:439-44; Jones N et al. Gastroenterology, 2009 Aug;137:489-94, 494.e1; quiz 725-6; Vogt S et al. Gastroenterology, 2009 Dec;137:1976-85.e1-10; Fostira F et al. Dis. Colon Rectum, 2010 Aug;53:1197-201; Papp J et al. Fam. Cancer, 2016 Jan;15:85-97). Analysis by RT-PCR using RNA from a patient homozygous for this variant and a compound heterozygous patient was reported to result in complete in-frame skipping of MUTYH coding exon 6 (Fostira F et al. Dis. Colon Rectum, 2010 Aug;53:1197-201). RNA studies have demonstrated that this alteration results in abnormal splicing in the set of samples tested (Ambry internal data). Based on an internal structural analysis, deletion of MUTYH coding exon 6 would be structurally deleterious (Ambry internal data). These nucleotide positions are not well conserved in available vertebrate species. In silico splice site analysis for this alteration is inconclusive. This variant was not reported in population-based cohorts in the Genome Aggregation Database (gnomAD). Based on the supporting evidence, this alteration is interpreted as a disease-causing mutation.

CeGaT Center for Human Genetics Tuebingen
Classification: Likely pathogenic. Last evaluated: 2023-10-01. Review status: criteria provided, single submitter. Criteria: CeGaT Center For Human Genetics Tuebingen Variant Classification Criteria Version 2. Collection method: clinical testing. Allele origin: germline. Affected: yes. Observed: 1 variant allele.
Comment: MUTYH: PM3:Strong, PM2, PS3:Supporting, PS4:Supporting

All of Us Research Program, National Institutes of Health
Classification: Likely pathogenic for Familial adenomatous polyposis 2. Last evaluated: 2023-06-26. Review status: criteria provided, single submitter. Criteria: ACMG Guidelines, 2015. Collection method: clinical testing. Allele origin: germline. Inheritance: Autosomal recessive inheritance. Observed: 3 variant alleles, 3 heterozygotes.
Comment: This variant causes a 13 base pair deletion in intron 6 of the MUTYH gene. An RNA study found this variant resulted in the in-frame skipping of exon 6 (PMID: 20628285). This variant has been reported in compound heterozygous and homozygous carriers with polyposis and/or colorectal cancer (PMID: 16890597, 19732775, 20618354, 20628285, 26446593, 27829682). In particular, this variant was observed in the compound heterozygous state with a pathogenic variant, c.1437_1439del, in an individual affected with polyps and colorectal cancer (PMID: 20628285). The proband's mother, who was heterozygous for this variant, as well as the proband's sister, who was heterozygous for c.1437_1439del variant, were unaffected with polyps and colorectal cancer. This variant was also observed in homozygosity in three siblings in a different family (PMID: 20628285). Their heterozygous mother, father, and one sibling were unaffected with polyps and colorectal cancer (PMID: 20628285). This variant has been identified in 2/251048 chromosomes in the general population by the Genome Aggregation Database (gnomAD). Loss of MUTYH function is a known mechanism of disease. Based on the available evidence, this variant is classified as Likely Pathogenic.

This study involves interpretation of variants in research participants for the purpose of population health screening. Participant phenotype was not available at the time of variant classification. Additional details can be found in publication PMID: 35346344, PMCID: PMC8962531

Baylor Genetics
Classification: Pathogenic for Familial adenomatous polyposis 2. Last evaluated: 2023-03-17. Review status: criteria provided, single submitter. Criteria: ACMG Guidelines, 2015. Collection method: clinical testing. Allele origin: unknown.

Clinical Genetics Laboratory, Skane University Hospital Lund
Classification: Pathogenic. Last evaluated: 2022-11-28. Review status: criteria provided, single submitter. Criteria: ACMG Guidelines, 2015. Collection method: clinical testing. Allele origin: germline. Affected: yes.

ARUP Laboratories, Molecular Genetics and Genomics, ARUP Laboratories
Classification: Pathogenic. Last evaluated: 2022-01-25. Review status: criteria provided, single submitter. Criteria: ARUP Molecular Germline Variant Investigation Process 2021. Collection method: clinical testing. Allele origin: germline.
Comment: The MUTYH c.504+19_504+31del variant (rs781222233) is reported in the literature in the compound heterozygous or homozygous state in several individuals and families affected with MUTYH-associated polyposis (Di Gregorio 2006, Fostira 2010, Jones 2009, Morak 2010, Papp 2016, Vogt 2009). This variant is also reported in ClinVar (Variation ID: 406825), and is only observed on two alleles in the Genome Aggregation Database, indicating it is not a common polymorphism. This is an intronic variant that deleted 13 nucleotides of intron 6, and in vitro functional analyses demonstrate skipping of exon 6, leading to an in-frame deletion that removes part of the critical glycosylase catalytic domain (Fostira 2010). Based on available information, this variant is considered to be pathogenic. References: Di Gregorio C et al. Immunohistochemical expression of MYH protein can be used to identify patients with MYH-associated polyposis. Gastroenterology. 2006 Aug;131(2):439-44. PMID: 16890597. Fostira F et al. An in-frame exon-skipping MUTYH mutation is associated with early-onset colorectal cancer. Dis Colon Rectum. 2010 Aug;53(8):1197-201. PMID: 20628285. Jones N et al. Increased colorectal cancer incidence in obligate carriers of heterozygous mutations in MUTYH. Gastroenterology. 2009 Aug;137(2):489-94, 494.e1; quiz 725-6. PMID: 19394335. Morak M et al. MUTYH-associated polyposis - variability of the clinical phenotype in patients with biallelic and monoallelic MUTYH mutations and report on novel mutations. Clin Genet. 2010 Oct;78(4):353-63. PMID: 20618354. Papp J et al. Contribution of APC and MUTYH mutations to familial adenomatous polyposis susceptibility in Hungary. Fam Cancer. 2016 Jan;15(1):85-97. PMID: 26446593. Vogt S et al. Expanded extracolonic tumor spectrum in MUTYH-associated polyposis. Gastroenterology. 2009 Dec;137(6):1976-85.e1-10. PMID: 19732775.

PreventionGenetics, part of Exact Sciences
Classification: Likely pathogenic. Last evaluated: 2018-01-08. Review status: criteria provided, single submitter. Criteria: ACMG Guidelines, 2015. Collection method: clinical testing. Allele origin: germline.

Medical Genetics Laboratory, Umraniye Training and Research Hospital, University of Health Sciences
Classification: Likely pathogenic for Colonic neoplasm. Last evaluated: 2021-08-21. Review status: no assertion criteria provided. Collection method: clinical testing. Allele origin: germline. Inheritance: Autosomal recessive inheritance. Affected: yes. Observed: 1 heterozygote. Not counted in ClinVar's aggregate classification.
Comment: Medullary Carcinoma EST= - PRO = - HER2 = - KI = -

Counsyl
Classification: Likely pathogenic for Familial adenomatous polyposis 2. Last evaluated: 2018-04-23. Review status: no assertion criteria provided. Collection method: clinical testing. Allele origin: unknown. Not counted in ClinVar's aggregate classification.

Literature cited by the submitters: PubMed 16890597 (cited by 6 submitters); PubMed 19732775 (cited by 6 submitters); PubMed 20628285 (cited by 6 submitters); PubMed 21520333 (cited by Labcorp Genetics (formerly Invitae), Labcorp); PubMed 20618354 (cited by 3 submitters); PubMed 26446593 (cited by 5 submitters); PubMed 27829682 (cited by 4 submitters); PubMed 19394335 (cited by Ambry Genetics).

NM_001048174.2(MUTYH):c.420+19_420+31del

Gene: MUTYH (mutY DNA glycosylase; minus strand). Cytogenetic location: 1p34.1.
Variant type: Deletion.
Coding change: c.420+19_420+31del on transcript NM_001048174.2 (MANE Select); bases 19 to 31 of the intron after coding-DNA position 420, 13 bases deleted (TAGGGGAAATAGG).
Molecular consequence: intron variant.
Genome position (GRCh38, 1-based): chr1:45,332,887-45,332,899, CCTATTTCCCCTA deleted on the plus strand (TAGGGGAAATAGG on the coding strand, the reverse complement: MUTYH is on the minus strand); deleting any 13 consecutive bases within chr1:45,332,887-45,332,901 gives the same sequence; the c. name uses the placement nearest the transcript's 3' end. VCF-style (leftmost placement, unchanged base first): chr1-45332886-TCCTATTTCCCCTA-T. GRCh37 (hg19) VCF-style: chr1-45798558-TCCTATTTCCCCTA-T.
Other names: c.504+19_504+31delTAGGGGAAATAGG (NM_001128425.1); c.75+19_75+31del (NM_001350651.2, NM_001350650.2); c.144+19_144+31del (NM_001293192.2, NM_001293196.2); c.420+19_420+31del (NM_001048171.2, NM_001048173.2, NM_001293195.2); c.465+19_465+31del (NM_001293190.2); c.495+19_495+31del (NM_012222.3); c.504+19_504+31del (NM_001128425.2); c.423+19_423+31del (NM_001048172.2); and 1 more.
Identifiers: ClinVar variation 406825 (VCV000406825.61), dbSNP rs781222233, ClinGen allele CA058004.